The following is an entry in ClinVar:

ClinVar aggregate classification (germline): Uncertain significance. Review status: criteria provided, multiple submitters, no conflicts (2 of 4 stars). 3 submissions from 3 submitters: Uncertain significance (2). 1 of the submissions does not count toward it. Last evaluated 2025-04-08.

Conditions:
Nemaline myopathy 2 (NEM2). Also called: Nemaline myopathy 2, autosomal recessive. Identifiers: MedGen C1850569, MONDO:0009725, OMIM 256030.

Allele frequency attached by ClinVar (database versions not stated): TOPMed 0.00001; gnomAD exomes 0.00005; ESP Exome Variant Server 0.00008.
gnomAD v4.1: 40 of 1,613,908 alleles (0.0025%); highest among the groups gnomAD compares: South Asian, 0.031%; 1 homozygote.

Submissions (3):

Revvity Omics, Revvity
Classification: Uncertain significance. Last evaluated: 2025-04-08. Review status: criteria provided, single submitter. Criteria: ACMG Guidelines, 2015. Collection method: clinical testing. Allele origin: germline.

Labcorp Genetics (formerly Invitae), Labcorp
Classification: Uncertain significance for Nemaline myopathy 2. Last evaluated: 2024-03-07. Review status: criteria provided, single submitter. Criteria: Invitae Variant Classification Sherloc (09022015). Collection method: clinical testing. Allele origin: germline.
Comment: This sequence change replaces glutamic acid, which is acidic and polar, with lysine, which is basic and polar, at codon 3359 of the NEB protein (p.Glu3359Lys). This variant is present in population databases (rs374359052, gnomAD 0.03%). This variant has not been reported in the literature in individuals affected with NEB-related conditions. ClinVar contains an entry for this variant (Variation ID: 646458). Experimental studies and prediction algorithms are not available or were not evaluated, and the functional significance of this variant is currently unknown. In summary, the available evidence is currently insufficient to determine the role of this variant in disease. Therefore, it has been classified as a Variant of Uncertain Significance.

Natera, Inc.
Classification: Uncertain significance for Nemaline myopathy type 2. Last evaluated: 2021-02-18. Review status: no assertion criteria provided. Collection method: clinical testing. Allele origin: germline. Not counted in ClinVar's aggregate classification.

NM_001164508.2(NEB):c.10075G>A (p.Glu3359Lys)

Gene: NEB (nebulin; minus strand). Cytogenetic location: 2q23.3.
Variant type: single nucleotide variant.
Coding change: c.10075G>A on transcript NM_001164508.2 (MANE Select); coding-DNA position 10075, G replaced by A.
Protein change: p.Glu3359Lys; replaces glutamic acid 3359 with lysine.
Molecular consequence: missense variant.
Genome position (GRCh38, 1-based): chr2:151,627,591, C>T on the plus strand (G>A on the coding strand, the complement: NEB is on the minus strand). VCF-style: chr2-151627591-C-T. GRCh37 (hg19) VCF-style: chr2-152484105-C-T.
Other names: c.10075G>A, p.Glu3359Lys (NM_001164507.2, NM_001271208.2); c.9346G>A, p.Glu3116Lys (NM_004543.5); short protein forms E3116K, E3359K.
Identifiers: ClinVar variation 646458 (VCV000646458.11), dbSNP rs374359052, ClinGen allele CA1909130.
Genomic context (GRCh38, chr2:151,627,591, plus strand): 5'-GGAGGTCATAGGCCTGCCGAGCATGGATGACATCATTCTGGTCGGGCAGGCACGTCCACT[C>T]GTGCAGGTAGTTCTTGTAGTCCACATCGCTGACTAAGGTCTGGCACTTCTTGGCTAACAC-3'
Protein context (NP_001157980.2, residues 3349-3369): SDVDYKNYLH[Glu3359Lys]WTCLPDQNDV